The following is an entry in ClinVar:

ClinVar aggregate classification (germline): Uncertain significance. Review status: criteria provided, multiple submitters, no conflicts (2 of 4 stars). 2 submissions from 2 submitters: Uncertain significance (2). Last evaluated 2026-08-11.

Conditions:
Hereditary cancer-predisposing syndrome. Also called: Hereditary Cancer Syndrome; Hereditary neoplastic syndrome; Neoplastic Syndromes, Hereditary; Tumor predisposition. Identifiers: Orphanet 140162, MedGen C0027672, MeSH D009386, MONDO:0015356.

Submissions (2):

Ambry Genetics
Classification: Uncertain significance for Hereditary cancer-predisposing syndrome. Last evaluated: 2026-08-11. Review status: criteria provided, single submitter. Criteria: Ambry Variant Classification Scheme 2023. Collection method: clinical testing. Allele origin: germline.
Comment: The p.G156A variant (also known as c.467G>C), located in coding exon 1 of the HOXB13 gene, results from a G to C substitution at nucleotide position 467. The glycine at codon 156 is replaced by alanine, an amino acid with similar properties. This amino acid position is conserved. In addition, the in silico prediction for this alteration is inconclusive. Based on the available evidence, the clinical significance of this variant remains unclear.

Labcorp Genetics (formerly Invitae), Labcorp
Classification: Uncertain significance. Last evaluated: 2023-05-28. Review status: criteria provided, single submitter. Criteria: Invitae Variant Classification Sherloc (09022015). Collection method: clinical testing. Allele origin: germline.
Comment: In summary, the available evidence is currently insufficient to determine the role of this variant in disease. Therefore, it has been classified as a Variant of Uncertain Significance. Advanced modeling of protein sequence and biophysical properties (such as structural, functional, and spatial information, amino acid conservation, physicochemical variation, residue mobility, and thermodynamic stability) performed at Invitae indicates that this missense variant is not expected to disrupt HOXB13 protein function. This variant has not been reported in the literature in individuals affected with HOXB13-related conditions. This variant is not present in population databases (gnomAD no frequency). This sequence change replaces glycine, which is neutral and non-polar, with alanine, which is neutral and non-polar, at codon 156 of the HOXB13 protein (p.Gly156Ala).

NM_006361.6(HOXB13):c.467G>C (p.Gly156Ala)

Gene: HOXB13 (homeobox B13; minus strand). Cytogenetic location: 17q21.32.
Variant type: single nucleotide variant.
Coding change: c.467G>C on transcript NM_006361.6 (MANE Select); coding-DNA position 467, G replaced by C.
Protein change: p.Gly156Ala; replaces glycine 156 with alanine.
Molecular consequence: missense variant.
Genome position (GRCh38, 1-based): chr17:48,728,127, C>G on the plus strand (G>C on the coding strand, the complement: HOXB13 is on the minus strand). VCF-style: chr17-48728127-C-G. GRCh37 (hg19) VCF-style: chr17-46805489-C-G.
Other names: short protein forms G156A.
Identifiers: ClinVar variation 2744297 (VCV002744297.4), dbSNP rs1427616006, ClinGen allele CA400107396.